The following is an entry in ClinVar:

ClinVar aggregate classification (germline): Uncertain significance (1 of 4 stars; one submission).

Conditions:
Bardet-Biedl syndrome (BBS). Identifiers: Orphanet 110, MedGen C0752166, MONDO:0015229.

Submission:

Labcorp Genetics (formerly Invitae), Labcorp
Classification: Uncertain significance for Bardet-Biedl syndrome. Last evaluated: 2023-06-30. Review status: criteria provided, single submitter. Criteria: Invitae Variant Classification Sherloc (09022015). Collection method: clinical testing. Allele origin: germline.
Comment: This sequence change replaces glutamic acid, which is acidic and polar, with glycine, which is neutral and non-polar, at codon 191 of the TRIM32 protein (p.Glu191Gly). In summary, the available evidence is currently insufficient to determine the role of this variant in disease. Therefore, it has been classified as a Variant of Uncertain Significance. An algorithm developed to predict the effect of missense changes on protein structure and function (PolyPhen-2) suggests that this variant is likely to be tolerated. ClinVar contains an entry for this variant (Variation ID: 1504513). This variant has not been reported in the literature in individuals affected with TRIM32-related conditions. This variant is not present in population databases (gnomAD no frequency).

NM_012210.4(TRIM32):c.572A>G (p.Glu191Gly)

Genes: ASTN2 (astrotactin 2; minus strand), TRIM32 (tripartite motif containing 32; plus strand). Cytogenetic location: 9q33.1.
Variant type: single nucleotide variant.
Coding change: c.572A>G on transcript NM_012210.4 (MANE Select); coding-DNA position 572, A replaced by G.
Protein change: p.Glu191Gly; replaces glutamic acid 191 with glycine.
Molecular consequence: missense variant. On other transcripts: intron variant (3).
Genome position (GRCh38, 1-based): chr9:116,698,314, A>G. VCF-style: chr9-116698314-A-G. GRCh37 (hg19) VCF-style: chr9-119460593-A-G.
Other names: c.572A>G, p.Glu191Gly (NM_001099679.2, NM_001379048.1, NM_001379049.1 and 1 more transcripts); c.2653+27457T>C (NM_014010.5); c.2794+27457T>C (NM_001365069.1); c.2806+27457T>C (NM_001365068.1); short protein forms E191G.
Identifiers: ClinVar variation 1504513 (VCV001504513.6), dbSNP rs2132072188, ClinGen allele CA374649013.